The following is an entry in ClinVar:

ClinVar aggregate classification (germline): Likely benign. Review status: criteria provided, multiple submitters, no conflicts (2 of 4 stars). 2 submissions from 2 submitters: Likely benign (2). Last evaluated 2026-01-19.

Conditions:
LAMA2-related muscular dystrophy (LAMA2-RD). Also called: Laminin alpha 2-related dystrophy. Identifiers: MedGen C5679788, MONDO:0100228.

Allele frequency attached by ClinVar (database versions not stated): gnomAD exomes below 0.00001.
gnomAD v4.1: 6 of 1,575,962 alleles (0.00038%); highest among the groups gnomAD compares: Non-Finnish European, 0.00052%; no homozygotes.

Submissions (2):

Labcorp Genetics (formerly Invitae), Labcorp
Classification: Likely benign for LAMA2-related muscular dystrophy. Last evaluated: 2026-01-19. Review status: criteria provided, single submitter. Criteria: Invitae Variant Classification Sherloc (09022015). Collection method: clinical testing. Allele origin: germline.

GeneDx
Classification: Likely benign. Last evaluated: 2017-02-21. Review status: criteria provided, single submitter. Criteria: GeneDx Variant Classification (06012015). Collection method: clinical testing. Allele origin: germline. Affected: yes.
Comment: This variant is considered likely benign or benign based on one or more of the following criteria: it is a conservative change, it occurs at a poorly conserved position in the protein, it is predicted to be benign by multiple in silico algorithms, and/or has population frequency not consistent with disease.

NM_000426.4(LAMA2):c.5448A>G (p.Lys1816=)

Gene: LAMA2 (laminin subunit alpha 2; plus strand). Cytogenetic location: 6q22.33.
Variant type: single nucleotide variant.
Coding change: c.5448A>G on transcript NM_000426.4 (MANE Select); coding-DNA position 5448, A replaced by G.
Protein change: p.Lys1816=; no amino-acid change (lysine 1816 retained).
Molecular consequence: synonymous variant.
Genome position (GRCh38, 1-based): chr6:129,401,226, A>G. VCF-style: chr6-129401226-A-G. GRCh37 (hg19) VCF-style: chr6-129722371-A-G.
Other names: c.5448A>G, p.Lys1816= (NM_001079823.2).
Identifiers: ClinVar variation 507558 (VCV000507558.10), dbSNP rs1554289590, ClinGen allele CA451925059.